The following is an entry in ClinVar:

ClinVar aggregate classification (germline): Conflicting classifications of pathogenicity. Review status: criteria provided, conflicting classifications (1 of 4 stars). 4 submissions from 4 submitters: Uncertain significance (2); Likely benign (2). Last evaluated 2026-04-21.

Conditions:
PLEC-related disorder. Also called: PLEC-related condition; PLEC-related disorders.
Epidermolysis bullosa simplex 5B, with muscular dystrophy (EBS5B). Also called: Epidermolysis bullosa simplex with muscular dystrophy; EPIDERMOLYSIS BULLOSA SIMPLEX AND LIMB-GIRDLE MUSCULAR DYSTROPHY. Identifiers: Orphanet 257, MedGen C2931072, MONDO:0009181, OMIM 226670.
Epidermolysis bullosa simplex, Ogna type (EBS5A). Also called: Pidermolysis bullosa simplex 5A, Ogna type; EPIDERMOLYSIS BULLOSA SIMPLEX 5A, OGNA TYPE. Identifiers: Orphanet 79401, MedGen C0432317, MONDO:0007555, OMIM 131950.
Autosomal recessive limb-girdle muscular dystrophy type 2Q (LGMDR17). Also called: MUSCULAR DYSTROPHY, LIMB-GIRDLE, AUTOSOMAL RECESSIVE 17. Identifiers: Orphanet 254361, MedGen C3150989, MONDO:0013390, OMIM 613723.
Epidermolysis bullosa simplex 5C, with pyloric atresia (EBS5C). Also called: PLEC-Related Epidermolysis Bullosa with Pyloric Atresia; Epidermolysis bullosa simplex with pyloric atresia; PLEC1-Related Epidermolysis Bullosa with Pyloric Atresia. Identifiers: Orphanet 158684, MedGen C2677349, MONDO:0012807, OMIM 612138.
Epidermolysis bullosa simplex with nail dystrophy (EBS5D). Identifiers: MedGen C4225309, MONDO:0014661, OMIM 616487.
Inborn genetic diseases. Identifiers: MedGen C0950123, MeSH D030342.

Allele frequency attached by ClinVar (database versions not stated): gnomAD 0.00004 and 0.00005; TOPMed 0.00005; gnomAD exomes 0.00014; ExAC 0.00019.
gnomAD v4.1: 87 of 1,614,040 alleles (0.0054%); highest among the groups gnomAD compares: South Asian, 0.036%; 1 homozygote.

Submissions (4):

PreventionGenetics, part of Exact Sciences
Classification: Uncertain significance for PLEC-related condition. Last evaluated: 2026-04-21. Review status: criteria provided, single submitter. Criteria: ACMG Guidelines, 2015. Collection method: clinical testing. Allele origin: germline.
Comment: The PLEC c.8605G>A variant is predicted to result in the amino acid substitution p.Val2869Ile. To our knowledge, this variant has not been reported in the literature. This variant is reported in 0.042% of alleles in individuals of South Asian descent in gnomAD. At this time, the clinical significance of this variant is uncertain due to the absence of conclusive functional and genetic evidence.

Labcorp Genetics (formerly Invitae), Labcorp
Classification: Uncertain significance for Autosomal recessive limb-girdle muscular dystrophy type 2Q; Epidermolysis bullosa simplex, Ogna type; Epidermolysis bullosa simplex with nail dystrophy; Epidermolysis bullosa simplex 5C, with pyloric atresia; Epidermolysis bullosa simplex 5B, with muscular dystrophy. Last evaluated: 2025-04-14. Review status: criteria provided, single submitter. Criteria: Invitae Variant Classification Sherloc (09022015). Collection method: clinical testing. Allele origin: germline.
Comment: This sequence change replaces valine, which is neutral and non-polar, with isoleucine, which is neutral and non-polar, at codon 2869 of the PLEC protein (p.Val2869Ile). This variant is present in population databases (rs782665391, gnomAD 0.04%). This variant has not been reported in the literature in individuals affected with PLEC-related conditions. ClinVar contains an entry for this variant (Variation ID: 946963). An algorithm developed to predict the effect of missense changes on protein structure and function outputs the following: PolyPhen-2: "Benign". The isoleucine amino acid residue is found in multiple mammalian species, which suggests that this missense change does not adversely affect protein function. In summary, the available evidence is currently insufficient to determine the role of this variant in disease. Therefore, it has been classified as a Variant of Uncertain Significance.

Ambry Genetics
Classification: Likely benign for Inborn genetic diseases. Last evaluated: 2024-08-28. Review status: criteria provided, single submitter. Criteria: Ambry Variant Classification Scheme 2023. Collection method: clinical testing. Allele origin: germline.

CeGaT Center for Human Genetics Tuebingen
Classification: Likely benign. Last evaluated: 2024-04-01. Review status: criteria provided, single submitter. Criteria: CeGaT Center For Human Genetics Tuebingen Variant Classification Criteria Version 2. Collection method: clinical testing. Allele origin: germline. Affected: yes. Observed: 1 variant allele.
Comment: PLEC: BP4

NM_201384.3(PLEC):c.8524G>A (p.Val2842Ile)

Gene: PLEC (plectin; minus strand). Cytogenetic location: 8q24.3.
Variant type: single nucleotide variant.
Coding change: c.8524G>A on transcript NM_201384.3 (MANE Select); coding-DNA position 8524, G replaced by A.
Protein change: p.Val2842Ile; replaces valine 2842 with isoleucine.
Molecular consequence: missense variant.
Genome position (GRCh38, 1-based): chr8:143,921,297, C>T on the plus strand (G>A on the coding strand, the complement: PLEC is on the minus strand). VCF-style: chr8-143921297-C-T. GRCh37 (hg19) VCF-style: chr8-144995465-C-T.
Other names: c.8605G>A (NM_000445.3); c.8605G>A, p.Val2869Ile (NM_000445.5); c.8482G>A, p.Val2828Ile (NM_201378.4); c.8458G>A, p.Val2820Ile (NM_201379.3); c.8935G>A, p.Val2979Ile (NM_201380.4); c.8428G>A, p.Val2810Ile (NM_201381.3); c.8524G>A, p.Val2842Ile (NM_201382.4); c.8536G>A, p.Val2846Ile (NM_201383.3); short protein forms V2820I, V2810I, V2828I, V2846I, V2979I, V2842I, V2869I.
Identifiers: ClinVar variation 946963 (VCV000946963.28), dbSNP rs782665391, ClinGen allele CA4925275.
Genomic context (GRCh38, chr8:143,921,297, plus strand): 5'-GGTTCTCGTGCGTGTTGGGGTCAAAGAAGCCCTTGGTGTCGTCGCTGGGGTCCGCCAGGA[C>T]GCGGTTCATCTCCTCGTCGAAGTAGCCGCGCCGGTAGGCCACGTCCACGGGCACGCGGTG-3'
Protein context (NP_958786.1, residues 2832-2852): RGYFDEEMNR[Val2842Ile]LADPSDDTKG